The following is an entry in ClinVar:

ClinVar aggregate classification (germline): Uncertain significance (1 of 4 stars; one submission).

Submission:

CeGaT Center for Human Genetics Tuebingen
Classification: Uncertain significance. Last evaluated: 2024-02-01. Review status: criteria provided, single submitter. Criteria: CeGaT Center For Human Genetics Tuebingen Variant Classification Criteria Version 2. Collection method: clinical testing. Allele origin: germline. Affected: yes. Observed: 1 variant allele.
Comment: BRSK2: PM2, BP4

NM_001256627.2(BRSK2):c.1496-3C>A

Gene: BRSK2 (BR serine/threonine kinase 2; plus strand). Cytogenetic location: 11p15.5.
Variant type: single nucleotide variant.
Coding change: c.1496-3C>A on transcript NM_001256627.2 (MANE Select); 3 bases into the intron before coding-DNA position 1496, C replaced by A.
Molecular consequence: intron variant.
Genome position (GRCh38, 1-based): chr11:1,451,368, C>A. VCF-style: chr11-1451368-C-A. GRCh37 (hg19) VCF-style: chr11-1472598-C-A.
Other names: c.1496-3C>A (NM_001256629.2, NM_003957.4); c.1316-3C>A (NM_001282218.2); c.1634-3C>A (NM_001256630.1).
Identifiers: ClinVar variation 3027313 (VCV003027313.22), dbSNP rs1243656362, ClinGen allele CA2740093575.